The following is an entry in ClinVar:

NM_006941.4(SOX10):c.383dup (p.His128fs)

Genes: POLR2F (RNA polymerase II, I and III subunit F; plus strand), SOX10 (SRY-box transcription factor 10; minus strand). Cytogenetic location: 22q13.1.
Variant type: Duplication.
Coding change: c.383dup on transcript NM_006941.4 (MANE Select); coding-DNA position 383, one base duplicated (A; older notation c.383dupA).
Protein change: p.His128fs; shifts the reading frame from histidine 128.
Molecular consequence: frameshift variant. On other transcripts: intron variant (3).
Genome position (GRCh38, 1-based): chr22:37,983,402, T duplicated on the plus strand (A on the coding strand, the reverse complement: SOX10 is on the minus strand). VCF-style (leftmost placement, unchanged base first): chr22-37983401-G-GT. GRCh37 (hg19) VCF-style: chr22-38379408-G-GT.
Other names: c.*38+11092dup (NM_001363825.1); c.294-2752dup (NM_001301130.2); c.293+16232dup (NM_001301131.2); short protein forms H128fs.
Identifiers: ClinVar variation 2445676 (VCV002445676.1), dbSNP rs2518052342, ClinGen allele CA2580099765.

ClinVar aggregate classification (germline): Pathogenic (1 of 4 stars; one submission).

Conditions:
Deafness with anatomical inner ear anomalies.

Submission:

King Laboratory, University of Washington
Classification: Pathogenic for Deafness with anatomical inner ear anomalies. Last evaluated: 2023-02-28. Review status: criteria provided, single submitter. Criteria: Li et al. (Genet Med. 2022). Collection method: research. Allele origin: unknown. Affected: yes.
Comment: This variant was found in heterozygosity in a patient with bilateral sensorineural hearing loss of onset <18 years with Mondini malformation and semicircular canal abnormalities, in a study of pediatric hearing loss conducted by the King Laboratory (Carlson RJ et al. JAMA-OtoHNS 2023). The family history of this patient is unknown. This is a 1-base pair duplication that leads to a frameshift which is expected to introduce a premature stop at position 133 of 466 in the SOX10 protein. As of January 2023, this variant has not been reported to ClinVar and is not found on gnomAD. Based on the prediction that this variant results in a truncated protein and goodness of fit of genotype to phenotype, we conclude that this variant is pathogenic.

Literature cited by the submitters: PubMed 36633841.